The following is an entry in ClinVar:

ClinVar aggregate classification (germline): Uncertain significance (1 of 4 stars; one submission).

Conditions:
Hypertrophic cardiomyopathy. Also called: HYPERTROPHIC MYOCARDIOPATHY. Identifiers: Orphanet 217569, MedGen C0007194, MeSH D002312, MONDO:0005045, HP:0001639.

Submission:

Labcorp Genetics (formerly Invitae), Labcorp
Classification: Uncertain significance for Hypertrophic cardiomyopathy. Last evaluated: 2021-09-22. Review status: criteria provided, single submitter. Criteria: Invitae Variant Classification Sherloc (09022015). Collection method: clinical testing. Allele origin: germline.
Comment: In summary, the available evidence is currently insufficient to determine the role of this variant in disease. Therefore, it has been classified as a Variant of Uncertain Significance. This sequence change replaces lysine with asparagine at codon 1240 of the MYH7 protein (p.Lys1240Asn). The lysine residue is highly conserved and there is a moderate physicochemical difference between lysine and asparagine. This variant is not present in population databases (ExAC no frequency). This variant has not been reported in the literature in individuals affected with MYH7-related conditions. Algorithms developed to predict the effect of missense changes on protein structure and function are either unavailable or do not agree on the potential impact of this missense change (SIFT: "Deleterious"; PolyPhen-2: "Probably Damaging"; Align-GVGD: "Class C0").

NM_000257.4(MYH7):c.3720G>C (p.Lys1240Asn)

Gene: MYH7 (myosin heavy chain 7; minus strand). Cytogenetic location: 14q11.2.
Variant type: single nucleotide variant.
Coding change: c.3720G>C on transcript NM_000257.4 (MANE Select); coding-DNA position 3720, G replaced by C.
Protein change: p.Lys1240Asn; replaces lysine 1240 with asparagine.
Molecular consequence: missense variant.
Genome position (GRCh38, 1-based): chr14:23,419,851, C>G on the plus strand (G>C on the coding strand, the complement: MYH7 is on the minus strand). VCF-style: chr14-23419851-C-G. GRCh37 (hg19) VCF-style: chr14-23889060-C-G.
Other names: short protein forms K1240N.
Identifiers: ClinVar variation 1465081 (VCV001465081.6), dbSNP rs2138653350, ClinGen allele CA389042912.